The following is an entry in ClinVar:

ClinVar aggregate classification (germline): Uncertain significance (1 of 4 stars; one submission).

Conditions:
Early-infantile DEE. Also called: Early infantile epileptic encephalopathy; Early infantile epileptic encephalopathy with suppression bursts; Ohtahara syndrome. Identifiers: Orphanet 1934, MedGen C0393706, MONDO:0800491.

Allele frequency attached by ClinVar (database versions not stated): gnomAD 0.00001; gnomAD exomes 0.00001; TOPMed 0.00001.
gnomAD v4.1: 9 of 1,613,198 alleles (0.00056%); highest among the groups gnomAD compares: Non-Finnish European, 0.00076%; no homozygotes.

Submission:

Labcorp Genetics (formerly Invitae), Labcorp
Classification: Uncertain significance for Early-infantile DEE. Last evaluated: 2022-05-19. Review status: criteria provided, single submitter. Criteria: Invitae Variant Classification Sherloc (09022015). Collection method: clinical testing. Allele origin: germline.
Comment: In summary, the available evidence is currently insufficient to determine the role of this variant in disease. Therefore, it has been classified as a Variant of Uncertain Significance. Advanced modeling of protein sequence and biophysical properties (such as structural, functional, and spatial information, amino acid conservation, physicochemical variation, residue mobility, and thermodynamic stability) performed at Invitae indicates that this missense variant is not expected to disrupt KCNH5 protein function. This variant has not been reported in the literature in individuals affected with KCNH5-related conditions. This variant is not present in population databases (gnomAD no frequency). This sequence change replaces phenylalanine, which is neutral and non-polar, with leucine, which is neutral and non-polar, at codon 85 of the KCNH5 protein (p.Phe85Leu).

NM_139318.5(KCNH5):c.253T>C (p.Phe85Leu)

Gene: KCNH5 (potassium voltage-gated channel subfamily H member 5; minus strand). Cytogenetic location: 14q23.2.
Variant type: single nucleotide variant.
Coding change: c.253T>C on transcript NM_139318.5 (MANE Select); coding-DNA position 253, T replaced by C.
Protein change: p.Phe85Leu; replaces phenylalanine 85 with leucine.
Molecular consequence: missense variant.
Genome position (GRCh38, 1-based): chr14:63,006,417, A>G on the plus strand (T>C on the coding strand, the complement: KCNH5 is on the minus strand). VCF-style: chr14-63006417-A-G. GRCh37 (hg19) VCF-style: chr14-63473135-A-G.
Other names: c.253T>C, p.Phe85Leu (NM_172375.3); short protein forms F85L.
Identifiers: ClinVar variation 2100207 (VCV002100207.4), dbSNP rs1249498265, ClinGen allele CA390106110.